The following is an entry in ClinVar:

NM_006015.6(ARID1A):c.1616C>T (p.Ser539Leu)

Gene: ARID1A (AT-rich interaction domain 1A; plus strand). Cytogenetic location: 1p36.11.
Variant type: single nucleotide variant.
Coding change: c.1616C>T on transcript NM_006015.6 (MANE Select); coding-DNA position 1616, C replaced by T.
Protein change: p.Ser539Leu; replaces serine 539 with leucine.
Molecular consequence: missense variant.
Genome position (GRCh38, 1-based): chr1:26,731,417, C>T. VCF-style: chr1-26731417-C-T. GRCh37 (hg19) VCF-style: chr1-27057908-C-T.
Other names: c.1616C>T, p.Ser539Leu (NM_139135.4); short protein forms S539L.
Identifiers: ClinVar variation 3026799 (VCV003026799.23), dbSNP rs540644702, ClinGen allele CA706809.

ClinVar aggregate classification (germline): Likely benign. Review status: criteria provided, multiple submitters, no conflicts (2 of 4 stars). 2 submissions from 2 submitters: Likely benign (2). Last evaluated 2025-11-07.

Allele frequency attached by ClinVar (database versions not stated): ExAC 0.00002; TOPMed 0.00002; gnomAD 0.00003; 1000 Genomes Project 0.00020; 1000 Genomes Project 30x 0.00031.
gnomAD v4.1: 10 of 1,613,894 alleles (0.00062%); highest among the groups gnomAD compares: East Asian, 0.0022%; no homozygotes.

Submissions (2):

Labcorp Genetics (formerly Invitae), Labcorp
Classification: Likely benign. Last evaluated: 2025-11-07. Review status: criteria provided, single submitter. Criteria: Invitae Variant Classification Sherloc (09022015). Collection method: clinical testing. Allele origin: germline.

CeGaT Center for Human Genetics Tuebingen
Classification: Likely benign. Last evaluated: 2024-01-01. Review status: criteria provided, single submitter. Criteria: CeGaT Center For Human Genetics Tuebingen Variant Classification Criteria Version 2. Collection method: clinical testing. Allele origin: germline. Affected: yes. Observed: 1 variant allele.
Comment: ARID1A: BS2